The following is an entry in ClinVar:

ClinVar aggregate classification (germline): Uncertain significance. Review status: criteria provided, multiple submitters, no conflicts (2 of 4 stars). 4 submissions from 4 submitters: Uncertain significance (4). Last evaluated 2024-06-26.

Conditions:
Microcephaly-intellectual disability-sensorineural hearing loss-epilepsy-abnormal muscle tone syndrome (NEDHSB). Also called: NEURODEVELOPMENTAL DISORDER WITH HEARING LOSS, SEIZURES, AND BRAIN ABNORMALITIES. Identifiers: Orphanet 457351, MedGen C4225276, MONDO:0014698, OMIM 616577.
Inborn genetic diseases. Identifiers: MedGen C0950123, MeSH D030342.

Allele frequency attached by ClinVar (database versions not stated): ExAC 0.00004; gnomAD exomes 0.00004 and 0.00021; ESP Exome Variant Server 0.00008; TOPMed 0.00010; gnomAD 0.00014 and 0.00016.
gnomAD v4.1: 334 of 1,613,948 alleles (0.021%); highest among the groups gnomAD compares: Non-Finnish European, 0.026%; no homozygotes.

Submissions (4):

Blueprint Genetics
Classification: Uncertain significance. Last evaluated: 2024-06-26. Review status: criteria provided, single submitter. Criteria: ACMG Guidelines, 2015. Collection method: clinical testing. Allele origin: germline.

Labcorp Genetics (formerly Invitae), Labcorp
Classification: Uncertain significance for Microcephaly-intellectual disability-sensorineural hearing loss-epilepsy-abnormal muscle tone syndrome. Last evaluated: 2022-08-23. Review status: criteria provided, single submitter. Criteria: Invitae Variant Classification Sherloc (09022015). Collection method: clinical testing. Allele origin: germline.
Comment: This sequence change replaces isoleucine, which is neutral and non-polar, with valine, which is neutral and non-polar, at codon 692 of the SPATA5 protein (p.Ile692Val). This variant is present in population databases (rs370427695, gnomAD 0.007%). This variant has not been reported in the literature in individuals affected with SPATA5-related conditions. ClinVar contains an entry for this variant (Variation ID: 542382). Advanced modeling of protein sequence and biophysical properties (such as structural, functional, and spatial information, amino acid conservation, physicochemical variation, residue mobility, and thermodynamic stability) performed at Invitae indicates that this missense variant is not expected to disrupt SPATA5 protein function. In summary, the available evidence is currently insufficient to determine the role of this variant in disease. Therefore, it has been classified as a Variant of Uncertain Significance.

Ambry Genetics
Classification: Uncertain significance for Inborn genetic diseases. Last evaluated: 2022-01-04. Review status: criteria provided, single submitter. Criteria: Ambry Variant Classification Scheme 2023. Collection method: clinical testing. Allele origin: germline.

Greenwood Genetic Center Diagnostic Laboratories, Greenwood Genetic Center
Classification: Uncertain significance. Last evaluated: 2021-12-30. Review status: criteria provided, single submitter. Criteria: ACMG Guidelines, 2015. Collection method: clinical testing. Allele origin: germline. Affected: yes.
Comment: BP4, PM2

NM_145207.3(AFG2A):c.2074A>G (p.Ile692Val)

Gene: AFG2A (AAA ATPase AFG2A; plus strand). Cytogenetic location: 4q28.1.
Variant type: single nucleotide variant.
Coding change: c.2074A>G on transcript NM_145207.3 (MANE Select); coding-DNA position 2074, A replaced by G.
Protein change: p.Ile692Val; replaces isoleucine 692 with valine.
Molecular consequence: missense variant.
Genome position (GRCh38, 1-based): chr4:123,028,390, A>G. VCF-style: chr4-123028390-A-G. GRCh37 (hg19) VCF-style: chr4-123949545-A-G.
Other names: c.2071A>G, p.Ile691Val (NM_001317799.2, NM_001345856.2); short protein forms I692V, I691V.
Identifiers: ClinVar variation 542382 (VCV000542382.11), dbSNP rs370427695, ClinGen allele CA3070610.
Genomic context (GRCh38, chr4:123,028,390, plus strand): 5'-TGCTCTAAAACAATGATAGCAAAGGCTTTGGCCAATGAGAGTGGACTGAATTTTCTAGCT[A>G]TAAAGGTAGGGTGTTAAATTTTTTAATCGCTACTCTCTCTTGGCCTCCCCCAACCCCCAT-3'
Protein context (NP_660208.2, residues 682-702): ANESGLNFLA[Ile692Val]KGPELMNKYV